The following is an entry in ClinVar:

NM_005732.4(RAD50):c.2325G>C (p.Leu775Phe)

Gene: RAD50 (RAD50 double strand break repair protein; plus strand). Cytogenetic location: 5q31.1.
Variant type: single nucleotide variant.
Coding change: c.2325G>C on transcript NM_005732.4 (MANE Select); coding-DNA position 2325, G replaced by C.
Protein change: p.Leu775Phe; replaces leucine 775 with phenylalanine.
Molecular consequence: missense variant.
Genome position (GRCh38, 1-based): chr5:132,603,417, G>C. VCF-style: chr5-132603417-G-C. GRCh37 (hg19) VCF-style: chr5-131939109-G-C.
Other names: short protein forms L775F.
Identifiers: ClinVar variation 1789644 (VCV001789644.7), dbSNP rs1279636720, ClinGen allele CA360954671.

ClinVar aggregate classification (germline): Uncertain significance. Review status: criteria provided, multiple submitters, no conflicts (2 of 4 stars). 2 submissions from 2 submitters: Uncertain significance (2). Last evaluated 2023-04-06.

Conditions:
Hereditary cancer-predisposing syndrome. Also called: Hereditary Cancer Syndrome; Hereditary neoplastic syndrome; Tumor predisposition; Neoplastic Syndromes, Hereditary. Identifiers: Orphanet 140162, MedGen C0027672, MeSH D009386, MONDO:0015356.

Allele frequency attached by ClinVar (database versions not stated): TOPMed below 0.00001.

Submissions (2):

Labcorp Genetics (formerly Invitae), Labcorp
Classification: Uncertain significance for Hereditary cancer-predisposing syndrome. Last evaluated: 2023-04-06. Review status: criteria provided, single submitter. Criteria: Invitae Variant Classification Sherloc (09022015). Collection method: clinical testing. Allele origin: germline.
Comment: This sequence change replaces leucine, which is neutral and non-polar, with phenylalanine, which is neutral and non-polar, at codon 775 of the RAD50 protein (p.Leu775Phe). This variant is present in population databases (no rsID available, gnomAD 0.007%). This variant has not been reported in the literature in individuals affected with RAD50-related conditions. ClinVar contains an entry for this variant (Variation ID: 1789644). Advanced modeling of protein sequence and biophysical properties (such as structural, functional, and spatial information, amino acid conservation, physicochemical variation, residue mobility, and thermodynamic stability) performed at Invitae indicates that this missense variant is not expected to disrupt RAD50 protein function. In summary, the available evidence is currently insufficient to determine the role of this variant in disease. Therefore, it has been classified as a Variant of Uncertain Significance.

Ambry Genetics
Classification: Uncertain significance for Hereditary cancer-predisposing syndrome. Last evaluated: 2022-02-16. Review status: criteria provided, single submitter. Criteria: Ambry Variant Classification Scheme 2023. Collection method: clinical testing. Allele origin: germline.
Comment: The p.L775F variant (also known as c.2325G>C), located in coding exon 14 of the RAD50 gene, results from a G to C substitution at nucleotide position 2325. The leucine at codon 775 is replaced by phenylalanine, an amino acid with highly similar properties. This amino acid position is conserved. In addition, this alteration is predicted to be tolerated by in silico analysis. Since supporting evidence is limited at this time, the clinical significance of this alteration remains unclear.